The following is an entry in ClinVar:

ClinVar aggregate classification (germline): Likely benign (0 of 4 stars; one submission).

Conditions:
ELN-related disorder.

Allele frequency attached by ClinVar (database versions not stated): gnomAD exomes below 0.00001; ExAC 0.00001.
gnomAD v4.1: 1 of 1,612,772 alleles (0.000062%); highest among the groups gnomAD compares: Non-Finnish European, 0.000085%; no homozygotes.

Submission:

PreventionGenetics, part of Exact Sciences
Classification: Likely benign for ELN-related condition. Last evaluated: 2021-02-16. Review status: no assertion criteria provided. Collection method: clinical testing. Allele origin: germline.
Comment: This variant is classified as likely benign based on ACMG/AMP sequence variant interpretation guidelines (Richards et al. 2015 PMID: 25741868, with internal and published modifications).

NM_000501.4(ELN):c.233-8C>T

Gene: ELN (elastin; plus strand). Cytogenetic location: 7q11.23.
Variant type: single nucleotide variant.
Coding change: c.233-8C>T on transcript NM_000501.4 (MANE Select); 8 bases into the intron before coding-DNA position 233, C replaced by T.
Molecular consequence: intron variant.
Genome position (GRCh38, 1-based): chr7:74,042,606, C>T. VCF-style: chr7-74042606-C-T. GRCh37 (hg19) VCF-style: chr7-73456936-C-T.
Other names: c.233-8C>T (NM_001081754.3, NM_001081753.3, NM_001278939.2 and 4 more transcripts); c.197-8C>T (NM_001278913.2); c.203-8C>T (NM_001278914.2, NM_001278917.2, NM_001081752.3 and 1 more transcripts).
Identifiers: ClinVar variation 3031445 (VCV003031445.2), dbSNP rs782259151, ClinGen allele CA4292403.